The following is an entry in ClinVar:

ClinVar aggregate classification (germline): Benign/Likely benign. Review status: criteria provided, multiple submitters, no conflicts (2 of 4 stars). 5 submissions from 5 submitters: Benign (1); Likely benign (3). 1 of the submissions does not count toward it. Last evaluated 2026-01-04.

Conditions:
COL11A2-related disorder. Also called: COL11A2-related condition; COL11A2-related disorders.

Allele frequency attached by ClinVar (database versions not stated): gnomAD exomes 0.00007 and 0.00018; ExAC 0.00026; gnomAD 0.00074 and 0.00082; ESP Exome Variant Server 0.00095; TOPMed 0.00106; 1000 Genomes Project 0.00140; 1000 Genomes Project 30x 0.00141.
gnomAD v4.1: 230 of 1,612,552 alleles (0.014%); highest among the groups gnomAD compares: African/African-American, 0.23%; no homozygotes.

Submissions (5):

Labcorp Genetics (formerly Invitae), Labcorp
Classification: Benign. Last evaluated: 2026-01-04. Review status: criteria provided, single submitter. Criteria: Invitae Variant Classification Sherloc (09022015). Collection method: clinical testing. Allele origin: germline.

Blueprint Genetics
Classification: Likely benign. Last evaluated: 2024-06-18. Review status: criteria provided, single submitter. Criteria: ACMG Guidelines, 2015. Collection method: clinical testing. Allele origin: germline.

GeneDx
Classification: Likely benign. Last evaluated: 2021-03-24. Review status: criteria provided, single submitter. Criteria: GeneDx Variant Classification Process June 2021. Collection method: clinical testing. Allele origin: germline. Affected: yes.

Laboratory for Molecular Medicine, Mass General Brigham Personalized Medicine
Classification: Likely benign. Last evaluated: 2017-02-28. Review status: criteria provided, single submitter. Criteria: LMM Criteria. Collection method: clinical testing. Allele origin: germline. Observed: 1 variant allele.
Comment: c.4015-8T>C in intron 55 of COL11A2: This variant is not expected to have clinic al significance because a C>T/T>C change at this position does not diverge from the splice consensus sequence and is therefore unlikely to impact splicing. In a ddition, it has been identified in 0.3% (24/8124) of African chromosomes by the Exome Aggregation Consortium (ExAC; dbSNP rs3770 01136).

PreventionGenetics, part of Exact Sciences
Classification: Likely benign for COL11A2-related condition. Last evaluated: 2021-01-28. Review status: no assertion criteria provided. Collection method: clinical testing. Allele origin: germline. Not counted in ClinVar's aggregate classification.
Comment: This variant is classified as likely benign based on ACMG/AMP sequence variant interpretation guidelines (Richards et al. 2015 PMID: 25741868, with internal and published modifications).

NM_080680.3(COL11A2):c.4015-8T>C

Gene: COL11A2 (collagen type XI alpha 2 chain; minus strand). Cytogenetic location: 6p21.32.
Variant type: single nucleotide variant.
Coding change: c.4015-8T>C on transcript NM_080680.3 (MANE Select); 8 bases into the intron before coding-DNA position 4015, T replaced by C.
Molecular consequence: intron variant.
Genome position (GRCh38, 1-based): chr6:33,167,541, A>G on the plus strand (T>C on the coding strand, the complement: COL11A2 is on the minus strand). VCF-style: chr6-33167541-A-G. GRCh37 (hg19) VCF-style: chr6-33135318-A-G.
Other names: c.3694-8T>C (NM_080679.3); c.3757-8T>C (NM_080681.3).
Identifiers: ClinVar variation 391881 (VCV000391881.16), dbSNP rs377001136, ClinGen allele CA3750248.